The following is an entry in ClinVar:

ClinVar aggregate classification (germline): Uncertain significance (1 of 4 stars; one submission).

Conditions:
Long QT syndrome (LQTS). Identifiers: MedGen C0023976, MeSH D008133, MONDO:0002442. Disease mechanism: loss of function. Inheritance: Various modes of inheritance.

Submission:

Labcorp Genetics (formerly Invitae), Labcorp
Classification: Uncertain significance for Long QT syndrome. Last evaluated: 2021-01-07. Review status: criteria provided, single submitter. Criteria: Invitae Variant Classification Sherloc (09022015). Collection method: clinical testing. Allele origin: germline.
Comment: This variant is not present in population databases (ExAC no frequency). This sequence change replaces alanine with proline at codon 2237 of the ANK2 protein (p.Ala2237Pro). The alanine residue is moderately conserved and there is a small physicochemical difference between alanine and proline. This variant has not been reported in the literature in individuals with ANK2-related conditions. In summary, the available evidence is currently insufficient to determine the role of this variant in disease. Therefore, it has been classified as a Variant of Uncertain Significance. Algorithms developed to predict the effect of missense changes on protein structure and function are either unavailable or do not agree on the potential impact of this missense change (SIFT: "Tolerated"; PolyPhen-2: "Probably Damaging"; Align-GVGD: "Class C0").

NM_001148.6(ANK2):c.6709G>C (p.Ala2237Pro)

Gene: ANK2 (ankyrin 2; plus strand). Cytogenetic location: 4q26.
Variant type: single nucleotide variant.
Coding change: c.6709G>C on transcript NM_001148.6 (MANE Select); coding-DNA position 6709, G replaced by C.
Protein change: p.Ala2237Pro; replaces alanine 2237 with proline.
Molecular consequence: missense variant. On other transcripts: intron variant (68).
Genome position (GRCh38, 1-based): chr4:113,355,327, G>C. VCF-style: chr4-113355327-G-C. GRCh37 (hg19) VCF-style: chr4-114276483-G-C.
Other names: c.6475G>C, p.Ala2159Pro (NM_001386142.1); c.3109G>C, p.Ala1037Pro (NM_001386166.1); c.6850G>C, p.Ala2284Pro (NM_001386174.1); c.6826G>C, p.Ala2276Pro (NM_001386175.1); c.4411+5078G>C (NM_001386186.2, NM_001386148.2); c.4213+5078G>C (NM_001354269.3); c.4291+5078G>C (NM_001386187.2); c.4252+5078G>C (NM_001386147.1); and 35 more; short protein forms A2159P, A2237P, A2276P, A2284P, A1037P.
Identifiers: ClinVar variation 1500724 (VCV001500724.8), dbSNP rs2154023155, ClinGen allele CA357925220.